The following is an entry in ClinVar:

ClinVar aggregate classification (germline): Uncertain significance. Review status: criteria provided, multiple submitters, no conflicts (2 of 4 stars). 4 submissions from 4 submitters: Uncertain significance (4). Last evaluated 2025-11-13.

Conditions:
Inborn genetic diseases. Identifiers: MedGen C0950123, MeSH D030342.
Chédiak-Higashi syndrome (CHS). Also called: Chediak-Higashi Syndrome. Identifiers: Orphanet 167, MedGen C0007965, MONDO:0008963, OMIM 214500.

Allele frequency attached by ClinVar (database versions not stated): ExAC 0.00002; TOPMed 0.00002; gnomAD 0.00004; gnomAD exomes 0.00009.
gnomAD v4.1: 146 of 1,610,242 alleles (0.0091%); highest among the groups gnomAD compares: Non-Finnish European, 0.011%; no homozygotes.

Submissions (4):

Ambry Genetics
Classification: Uncertain significance for Inborn genetic diseases. Last evaluated: 2025-11-13. Review status: criteria provided, single submitter. Criteria: Ambry Variant Classification Scheme 2023. Collection method: clinical testing. Allele origin: germline.

Labcorp Genetics (formerly Invitae), Labcorp
Classification: Uncertain significance for Chédiak-Higashi syndrome. Last evaluated: 2022-08-22. Review status: criteria provided, single submitter. Criteria: Invitae Variant Classification Sherloc (09022015). Collection method: clinical testing. Allele origin: germline.
Comment: This sequence change replaces serine, which is neutral and polar, with cysteine, which is neutral and slightly polar, at codon 2437 of the LYST protein (p.Ser2437Cys). This variant is present in population databases (rs777846417, gnomAD 0.01%). This variant has not been reported in the literature in individuals affected with LYST-related conditions. ClinVar contains an entry for this variant (Variation ID: 875768). Algorithms developed to predict the effect of missense changes on protein structure and function are either unavailable or do not agree on the potential impact of this missense change (SIFT: "Tolerated"; PolyPhen-2: "Possibly Damaging"; Align-GVGD: "Class C0"). In summary, the available evidence is currently insufficient to determine the role of this variant in disease. Therefore, it has been classified as a Variant of Uncertain Significance.

Fulgent Genetics
Classification: Uncertain significance for Chédiak-Higashi syndrome. Last evaluated: 2021-09-08. Review status: criteria provided, single submitter. Criteria: ACMG Guidelines, 2015. Collection method: clinical testing. Allele origin: unknown.

Illumina Laboratory Services, Illumina
Classification: Uncertain significance for Chédiak-Higashi syndrome. Last evaluated: 2018-01-13. Review status: criteria provided, single submitter. Criteria: ICSL Variant Classification Criteria 13 December 2019. Collection method: clinical testing. Allele origin: germline.

NM_000081.4(LYST):c.7310C>G (p.Ser2437Cys)

Gene: LYST (lysosomal trafficking regulator; minus strand). Cytogenetic location: 1q42.3.
Variant type: single nucleotide variant.
Coding change: c.7310C>G on transcript NM_000081.4 (MANE Select); coding-DNA position 7310, C replaced by G.
Protein change: p.Ser2437Cys; replaces serine 2437 with cysteine.
Molecular consequence: missense variant.
Genome position (GRCh38, 1-based): chr1:235,753,194, G>C on the plus strand (C>G on the coding strand, the complement: LYST is on the minus strand). VCF-style: chr1-235753194-G-C. GRCh37 (hg19) VCF-style: chr1-235916494-G-C.
Other names: c.7310C>G, p.Ser2437Cys (NM_001301365.1); c.7310C>G (NM_000081.2); short protein forms S2437C.
Identifiers: ClinVar variation 875768 (VCV000875768.10), dbSNP rs777846417, ClinGen allele CA1466165.